The following is an entry in ClinVar:

ClinVar aggregate classification (germline): Likely benign. Review status: criteria provided, multiple submitters, no conflicts (2 of 4 stars). 2 submissions from 2 submitters: Likely benign (2). Last evaluated 2026-02-17.

Conditions:
LOXHD1-related disorder. Also called: LOXHD1-related condition.

Allele frequency attached by ClinVar (database versions not stated): gnomAD exomes 0.00001; TOPMed 0.00003; gnomAD 0.00005 and 0.00006.
gnomAD v4.1: 22 of 1,551,430 alleles (0.0014%); highest among the groups gnomAD compares: Non-Finnish European, 0.0017%; no homozygotes.

Submissions (2):

PreventionGenetics, part of Exact Sciences
Classification: Likely benign for LOXHD1-related condition. Last evaluated: 2026-02-17. Review status: criteria provided, single submitter. Criteria: ACMG Guidelines, 2015. Collection method: clinical testing. Allele origin: germline.
Comment: This variant is classified as likely benign based on ACMG/AMP sequence variant interpretation guidelines (Richards et al. 2015 PMID: 25741868, with internal and published modifications).

Labcorp Genetics (formerly Invitae), Labcorp
Classification: Likely benign. Last evaluated: 2024-02-07. Review status: criteria provided, single submitter. Criteria: Invitae Variant Classification Sherloc (09022015). Collection method: clinical testing. Allele origin: germline.

NM_001384474.1(LOXHD1):c.5692+7C>T

Gene: LOXHD1 (lipoxygenase homology PLAT domains 1; minus strand). Cytogenetic location: 18q21.1.
Variant type: single nucleotide variant.
Coding change: c.5692+7C>T on transcript NM_001384474.1 (MANE Select); 7 bases into the intron after coding-DNA position 5692, C replaced by T.
Molecular consequence: intron variant.
Genome position (GRCh38, 1-based): chr18:46,507,531, G>A on the plus strand (C>T on the coding strand, the complement: LOXHD1 is on the minus strand). VCF-style: chr18-46507531-G-A. GRCh37 (hg19) VCF-style: chr18-44087494-G-A.
Other names: c.2359+7C>T (NM_001145472.3); c.2071+7C>T (NM_001308013.2); c.409+7C>T (NM_001173129.2, NM_001145473.3); c.5506+7C>T (NM_144612.7, NM_144612.6).
Identifiers: ClinVar variation 1558551 (VCV001558551.9), dbSNP rs1414109612, ClinGen allele CA629924319.